The following is an entry in ClinVar:

ClinVar aggregate classification (germline): Uncertain significance. Review status: criteria provided, single submitter (1 of 4 stars). 2 submissions from 2 submitters: Uncertain significance (1). 1 of the submissions does not count toward it. Last evaluated 2021-09-01.

Conditions:
Primary ciliary dyskinesia. Also called: Ciliary dyskinesia. Identifiers: Orphanet 244, MedGen C0008780, MONDO:0016575, HP:0012265.

Allele frequency attached by ClinVar (database versions not stated): ExAC 0.00001; gnomAD exomes 0.00001 and 0.00003; gnomAD 0.00002; TOPMed 0.00002.
gnomAD v4.1: 47 of 1,612,218 alleles (0.0029%); highest among the groups gnomAD compares: Non-Finnish European, 0.0036%; no homozygotes.

Submissions (2):

Labcorp Genetics (formerly Invitae), Labcorp
Classification: Uncertain significance for Primary ciliary dyskinesia. Last evaluated: 2021-09-01. Review status: criteria provided, single submitter. Criteria: Invitae Variant Classification Sherloc (09022015). Collection method: clinical testing. Allele origin: germline.
Comment: This sequence change falls in intron 51 of the DNAH5 gene. It does not directly change the encoded amino acid sequence of the DNAH5 protein. It affects a nucleotide within the consensus splice site of the intron. This variant is present in population databases (rs200250503, ExAC 0.01%). This variant has not been reported in the literature in individuals affected with DNAH5-related conditions. Variants that disrupt the consensus splice site are a relatively common cause of aberrant splicing (PMID: 17576681, 9536098). Algorithms developed to predict the effect of sequence changes on RNA splicing suggest that this variant is not likely to affect RNA splicing. In summary, the available evidence is currently insufficient to determine the role of this variant in disease. Therefore, it has been classified as a Variant of Uncertain Significance.

Natera, Inc.
Classification: Uncertain significance for Primary ciliary dyskinesia. Last evaluated: 2021-04-29. Review status: no assertion criteria provided. Collection method: clinical testing. Allele origin: germline. Not counted in ClinVar's aggregate classification.

Literature cited by the submitters: PubMed 17576681 (cited by Labcorp Genetics (formerly Invitae), Labcorp); PubMed 9536098 (cited by Labcorp Genetics (formerly Invitae), Labcorp).

NM_001369.3(DNAH5):c.8647+6C>T

Gene: DNAH5 (dynein axonemal heavy chain 5; minus strand). Cytogenetic location: 5p15.2.
Variant type: single nucleotide variant.
Coding change: c.8647+6C>T on transcript NM_001369.3 (MANE Select); 6 bases into the intron after coding-DNA position 8647, C replaced by T.
Molecular consequence: intron variant.
Genome position (GRCh38, 1-based): chr5:13,788,710, G>A on the plus strand (C>T on the coding strand, the complement: DNAH5 is on the minus strand). VCF-style: chr5-13788710-G-A. GRCh37 (hg19) VCF-style: chr5-13788819-G-A.
Identifiers: ClinVar variation 855824 (VCV000855824.7), dbSNP rs200250503, ClinGen allele CA3202780.
Genomic context (GRCh38, chr5:13,788,710, plus strand): 5'-CTGTCTTCAGATTTCCCTTTAGGGAACACCTTTTGGGGAATTCCAAATTCCACTTCAATA[G>A]TTTACCTGCAGCTTCAGGTGCATCTCTCAAGAAATCCACAAAATATGTGTCAATTCCACA-3'